The following is an entry in ClinVar:

NM_003242.6(TGFBR2):c.1333A>T (p.Thr445Ser)

Gene: TGFBR2 (transforming growth factor beta receptor 2; plus strand). Cytogenetic location: 3p24.1.
Variant type: single nucleotide variant.
Coding change: c.1333A>T on transcript NM_003242.6 (MANE Select); coding-DNA position 1333, A replaced by T.
Protein change: p.Thr445Ser; replaces threonine 445 with serine.
Molecular consequence: missense variant. On other transcripts: intron variant (1).
Genome position (GRCh38, 1-based): chr3:30,674,183, A>T. VCF-style: chr3-30674183-A-T. GRCh37 (hg19) VCF-style: chr3-30715675-A-T.
Other names: c.1408A>T, p.Thr470Ser (NM_001024847.3); c.1516A>T, p.Thr506Ser (NM_001407126.1); c.1441A>T, p.Thr481Ser (NM_001407127.1); c.1360A>T, p.Thr454Ser (NM_001407128.1); c.1336A>T, p.Thr446Ser (NM_001407129.1); c.1333A>T, p.Thr445Ser (NM_001407130.1); c.1228A>T, p.Thr410Ser (NM_001407132.1, NM_001407133.1, NM_001407134.1 and 2 more transcripts); c.1048A>T, p.Thr350Ser (NM_001407137.1); and 2 more; short protein forms T325S, T350S, T410S, T445S, T446S, T454S, T470S, T481S.
Identifiers: ClinVar variation 4689832 (VCV004689832.1).

ClinVar aggregate classification (germline): Uncertain significance (1 of 4 stars; one submission).

Submission:

GeneDx
Classification: Uncertain significance. Last evaluated: 2025-07-29. Review status: criteria provided, single submitter. Criteria: GeneDx Variant Classification Process June 2021. Collection method: clinical testing. Allele origin: germline. Affected: yes.
Comment: Not observed at significant frequency in large population cohorts (gnomAD); In silico analysis suggests that this missense variant does not alter protein structure/function; Has not been previously published as pathogenic or benign to our knowledge